The following is an entry in ClinVar:

ClinVar aggregate classification (germline): Uncertain significance. Review status: criteria provided, multiple submitters, no conflicts (2 of 4 stars). 2 submissions from 2 submitters: Uncertain significance (2). Last evaluated 2026-05-12.

Conditions:
Developmental and epileptic encephalopathy, 27 (DEE27). Also called: Epileptic encephalopathy, early infantile, 27; GRIN2B-Related Neurodevelopmental Disorder. Identifiers: Orphanet 3451, MedGen C4015316, MONDO:0014505, OMIM 616139.
Intellectual developmental disorder, autosomal dominant 6, with or without seizures. Also called: Intellectual disability, autosomal dominant 6; GRIN2B-related developmental delay, intellectual disability and autism spectrum disorder. Identifiers: Orphanet 589547, MedGen C3151411, MONDO:0013509, OMIM 613970.
GRIN2B-related disorder. Also called: GRIN2B-related condition.

Submissions (2):

PreventionGenetics, part of Exact Sciences
Classification: Uncertain significance for GRIN2B-related condition. Last evaluated: 2026-05-12. Review status: criteria provided, single submitter. Criteria: ACMG Guidelines, 2015. Collection method: clinical testing. Allele origin: germline.
Comment: The GRIN2B c.2528A>G variant is predicted to result in the amino acid substitution p.Tyr843Cys. To our knowledge, this variant has not been reported in the literature or in a large population database (gnomAD), indicating this variant is rare. At this time, the clinical significance of this variant is uncertain due to the absence of conclusive functional and genetic evidence.

Labcorp Genetics (formerly Invitae), Labcorp
Classification: Uncertain significance for Developmental and epileptic encephalopathy, 27; Intellectual developmental disorder, autosomal dominant 6, with or without seizures. Last evaluated: 2025-03-03. Review status: criteria provided, single submitter. Criteria: Invitae Variant Classification Sherloc (09022015). Collection method: clinical testing. Allele origin: germline.
Comment: This sequence change replaces tyrosine, which is neutral and polar, with cysteine, which is neutral and slightly polar, at codon 843 of the GRIN2B protein (p.Tyr843Cys). This variant is not present in population databases (gnomAD no frequency). This variant has not been reported in the literature in individuals affected with GRIN2B-related conditions. Invitae Evidence Modeling of protein sequence and biophysical properties (such as structural, functional, and spatial information, amino acid conservation, physicochemical variation, residue mobility, and thermodynamic stability) indicates that this missense variant is expected to disrupt GRIN2B protein function with a positive predictive value of 95%. In summary, the available evidence is currently insufficient to determine the role of this variant in disease. Therefore, it has been classified as a Variant of Uncertain Significance.

NM_000834.5(GRIN2B):c.2528A>G (p.Tyr843Cys)

Gene: GRIN2B (glutamate ionotropic receptor NMDA type subunit 2B; minus strand). Cytogenetic location: 12p13.1.
Variant type: single nucleotide variant.
Coding change: c.2528A>G on transcript NM_000834.5 (MANE Select); coding-DNA position 2528, A replaced by G.
Protein change: p.Tyr843Cys; replaces tyrosine 843 with cysteine.
Molecular consequence: missense variant.
Genome position (GRCh38, 1-based): chr12:13,567,095, T>C on the plus strand (A>G on the coding strand, the complement: GRIN2B is on the minus strand). VCF-style: chr12-13567095-T-C. GRCh37 (hg19) VCF-style: chr12-13720029-T-C.
Other names: c.2528A>G, p.Tyr843Cys (NM_001413992.1); c.2528A>G (NM_000834.3); short protein forms Y843C.
Identifiers: ClinVar variation 4790145 (VCV004790145.2).